The following is an entry in ClinVar:

ClinVar aggregate classification (germline): Uncertain significance (1 of 4 stars; one submission).

Submission:

GeneDx
Classification: Uncertain significance. Last evaluated: 2025-11-19. Review status: criteria provided, single submitter. Criteria: GeneDx Variant Classification Process June 2021. Collection method: clinical testing. Allele origin: germline. Affected: yes.
Comment: Not observed at significant frequency in large population cohorts (gnomAD); In silico analysis supports that this missense variant has a deleterious effect on protein structure/function; Has not been previously published as pathogenic or benign to our knowledge

NM_015335.5(MED13L):c.839A>T (p.Tyr280Phe)

Gene: MED13L (mediator complex subunit 13L; minus strand). Cytogenetic location: 12q24.21.
Variant type: single nucleotide variant.
Coding change: c.839A>T on transcript NM_015335.5 (MANE Select); coding-DNA position 839, A replaced by T.
Protein change: p.Tyr280Phe; replaces tyrosine 280 with phenylalanine.
Molecular consequence: missense variant.
Genome position (GRCh38, 1-based): chr12:116,019,394, T>A on the plus strand (A>T on the coding strand, the complement: MED13L is on the minus strand). VCF-style: chr12-116019394-T-A. GRCh37 (hg19) VCF-style: chr12-116457199-T-A.
Other names: short protein forms Y280F.
Identifiers: ClinVar variation 3600708 (VCV003600708.2).